The following is an entry in ClinVar:

NM_005886.3(KATNB1):c.1416+1G>A

Gene: KATNB1 (katanin regulatory subunit B1; plus strand). Cytogenetic location: 16q21.
Variant type: single nucleotide variant.
Coding change: c.1416+1G>A on transcript NM_005886.3 (MANE Select); the canonical splice donor site of the intron after coding-DNA position 1416, G replaced by A.
Molecular consequence: splice donor variant.
Genome position (GRCh38, 1-based): chr16:57,755,239, G>A. VCF-style: chr16-57755239-G-A. GRCh37 (hg19) VCF-style: chr16-57789151-G-A.
Other names: NC_000016.9:g.57789151G>A; c.1416+1G>A (NM_005886.2).
Identifiers: ClinVar variation 1324607 (VCV001324607.6), dbSNP rs376558334, ClinGen allele CA8081193.

ClinVar aggregate classification (germline): Likely pathogenic. Review status: criteria provided, multiple submitters, no conflicts (2 of 4 stars). 2 submissions from 2 submitters: Likely pathogenic (2). Last evaluated 2022-09-02.

Conditions:
KATNB1-related disorder. Also called: KATNB1-related condition.
Lissencephaly 6 with microcephaly. Identifiers: Orphanet 1083, MedGen C4015525, MONDO:0014534, OMIM 616212.

Allele frequency attached by ClinVar (database versions not stated): ExAC 0.00002; TOPMed 0.00002; gnomAD 0.00003 and 0.00004; ESP Exome Variant Server 0.00008.
gnomAD v4.1: 17 of 1,610,564 alleles (0.0011%); highest among the groups gnomAD compares: Non-Finnish European, 0.0014%; no homozygotes.

Submissions (3):

PreventionGenetics, part of Exact Sciences
Classification: Likely pathogenic for KATNB1-related condition. Last evaluated: 2022-09-02. Review status: criteria provided, single submitter. Criteria: ACMG Guidelines, 2015. Collection method: clinical testing. Allele origin: germline.
Comment: The KATNB1 c.1416+1G>A variant is predicted to disrupt the GT donor site and interfere with normal splicing. To our knowledge, this variant has not been reported in the literature. This variant is reported in 0.0031% of alleles in individuals of European (Non-Finnish) descent in gnomAD. Variants that disrupt the consensus splice donor site in KATNB1 are expected to be pathogenic. This variant is interpreted as likely pathogenic.

Revvity Omics, Revvity
Classification: Likely pathogenic for Lissencephaly 6 with microcephaly. Last evaluated: 2021-05-13. Review status: criteria provided, single submitter. Criteria: ACMG Guidelines, 2015. Collection method: clinical testing. Allele origin: germline.

Dr. Peter K. Rogan Lab, Western University
No classification provided (evidence only). Condition: Familial cancer of breast. Review status: no classification provided. Collection method: in vitro. Allele origin: not applicable. Functional consequence: skipped exon. Not counted in ClinVar's aggregate classification.